The following is an entry in ClinVar:

NM_000458.4(HNF1B):c.1087T>C (p.Ser363Pro)

Gene: HNF1B (HNF1 homeobox B; minus strand). Cytogenetic location: 17q12.
Variant type: single nucleotide variant.
Coding change: c.1087T>C on transcript NM_000458.4 (MANE Select); coding-DNA position 1087, T replaced by C.
Protein change: p.Ser363Pro; replaces serine 363 with proline.
Molecular consequence: missense variant.
Genome position (GRCh38, 1-based): chr17:37,710,622, A>G on the plus strand (T>C on the coding strand, the complement: HNF1B is on the minus strand). VCF-style: chr17-37710622-A-G. GRCh37 (hg19) VCF-style: chr17-36070630-A-G.
Other names: c.1009T>C, p.Ser337Pro (NM_001165923.4, NM_001304286.2); c.1087T>C, p.Ser363Pro (NM_001411100.1); short protein forms S337P, S363P.
Identifiers: ClinVar variation 1788042 (VCV001788042.2), dbSNP rs2032902697, ClinGen allele CA398759771.
Genomic context (GRCh38, chr17:37,710,622, plus strand): 5'-GCTGTAAAACCGACTGGCTGGTCACCATGGCGCTGTTGCCATGGTGACTGATTGTTGAGG[A>G]GGAAGTGATCTCATTGTTTCCCTGCTGGCTGTAGCGCACTCCTGCAAAACAACACAAACC-3'
Protein context (NP_000449.1, residues 353-373): SQQGNNEITS[Ser363Pro]STISHHGNSA

ClinVar aggregate classification (germline): Uncertain significance (1 of 4 stars; one submission).

Conditions:
Maturity-onset diabetes of the young (MODY). Also called: Maturity onset diabetes mellitus in young. Identifiers: Orphanet 552, MedGen C0342276, MONDO:0018911, HP:0004904.

Allele frequency attached by ClinVar (database versions not stated): TOPMed below 0.00001; gnomAD 0.00001.
gnomAD v4.1: 1 of 1,613,714 alleles (0.000062%); highest among the groups gnomAD compares: Admixed American, 0.0017%; no homozygotes.

Submission:

Ambry Genetics
Classification: Uncertain significance for Maturity-onset diabetes of the young. Last evaluated: 2022-06-03. Review status: criteria provided, single submitter. Criteria: Ambry Variant Classification Scheme 2023. Collection method: clinical testing. Allele origin: germline.
Comment: The p.S363P variant (also known as c.1087T>C), located in coding exon 5 of the HNF1B gene, results from a T to C substitution at nucleotide position 1087. The serine at codon 363 is replaced by proline, an amino acid with similar properties. This amino acid position is well conserved in available vertebrate species. In addition, the in silico prediction for this alteration is inconclusive. Since supporting evidence is limited at this time, the clinical significance of this alteration remains unclear.